The following is an entry in ClinVar:

NM_004006.3(DMD):c.10942C>T (p.Pro3648Ser)

Gene: DMD (dystrophin; minus strand). Cytogenetic location: Xp21.2.
Variant type: single nucleotide variant.
Coding change: c.10942C>T on transcript NM_004006.3 (MANE Select); coding-DNA position 10942, C replaced by T.
Protein change: p.Pro3648Ser; replaces proline 3648 with serine.
Molecular consequence: missense variant.
Genome position (GRCh38, 1-based): chrX:31,134,174, G>A on the plus strand (C>T on the coding strand, the complement: DMD is on the minus strand). VCF-style: chrX-31134174-G-A. GRCh37 (hg19) VCF-style: chrX-31152291-G-A.
Other names: c.10918C>T, p.Pro3640Ser (NM_000109.4); c.10930C>T, p.Pro3644Ser (NM_004009.3); c.10573C>T, p.Pro3525Ser (NM_004010.3); c.6919C>T, p.Pro2307Ser (NM_004011.4); c.6910C>T, p.Pro2304Ser (NM_004012.4); c.3562C>T, p.Pro1188Ser (NM_004013.3, NM_004021.3); c.2755C>T, p.Pro919Ser (NM_004014.3); c.1738C>T, p.Pro580Ser (NM_004015.3, NM_004016.3); and 3 more; short protein forms P3525S, P1175S, P2304S, P2307S, P3640S, P919S, P1188S, P3648S.
Identifiers: ClinVar variation 1914490 (VCV001914490.5), dbSNP rs2519232797, ClinGen allele CA412648220.
Genomic context (GRCh38, chrX:31,134,174, plus strand): 5'-GGAAGGAGTTGTTGAGTTGCTCCATCACCTCCTCTAACCCTGTGCTTGTGTCCTGGGGAG[G>A]ACTGAGAAGATCTTCCTCACCTTAATAAAAGCAAAAACAAATAATGGAAAATTACATTTA-3'
Protein context (NP_003997.2, residues 3638-3658): DSMGEEDLLS[Pro3648Ser]PQDTSTGLEE

ClinVar aggregate classification (germline): Uncertain significance (1 of 4 stars; one submission).

Conditions:
Duchenne muscular dystrophy (DMD). Also called: MUSCULAR DYSTROPHY, PSEUDOHYPERTROPHIC PROGRESSIVE, DUCHENNE TYPE; Duchenne Muscular Dystrophy (DMD). Identifiers: Orphanet 98896, MedGen C0013264, MONDO:0010679, OMIM 310200.

Submission:

Labcorp Genetics (formerly Invitae), Labcorp
Classification: Uncertain significance for Duchenne muscular dystrophy. Last evaluated: 2025-02-17. Review status: criteria provided, single submitter. Criteria: Invitae Variant Classification Sherloc (09022015). Collection method: clinical testing. Allele origin: germline.
Comment: This sequence change replaces proline, which is neutral and non-polar, with serine, which is neutral and polar, at codon 3648 of the DMD protein (p.Pro3648Ser). This variant is not present in population databases (gnomAD no frequency). This variant has not been reported in the literature in individuals affected with DMD-related conditions. ClinVar contains an entry for this variant (Variation ID: 1914490). Invitae Evidence Modeling of protein sequence and biophysical properties (such as structural, functional, and spatial information, amino acid conservation, physicochemical variation, residue mobility, and thermodynamic stability) indicates that this missense variant is not expected to disrupt DMD protein function with a negative predictive value of 95%. In summary, the available evidence is currently insufficient to determine the role of this variant in disease. Therefore, it has been classified as a Variant of Uncertain Significance.